The following is an entry in ClinVar:

NM_000287.4(PEX6):c.941G>T (p.Gly314Val)

Gene: PEX6 (peroxisomal biogenesis factor 6; minus strand). Cytogenetic location: 6p21.1.
Variant type: single nucleotide variant.
Coding change: c.941G>T on transcript NM_000287.4 (MANE Select); coding-DNA position 941, G replaced by T.
Protein change: p.Gly314Val; replaces glycine 314 with valine.
Molecular consequence: missense variant. On other transcripts: non-coding transcript variant (1).
Genome position (GRCh38, 1-based): chr6:42,974,980, C>A on the plus strand (G>T on the coding strand, the complement: PEX6 is on the minus strand). VCF-style: chr6-42974980-C-A. GRCh37 (hg19) VCF-style: chr6-42942718-C-A.
Other names: c.677G>T, p.Gly226Val (NM_001316313.2); short protein forms G226V, G314V.
Identifiers: ClinVar variation 1488915 (VCV001488915.8), dbSNP rs746415021, ClinGen allele CA364160001.

ClinVar aggregate classification (germline): Uncertain significance (1 of 4 stars; one submission).

Conditions:
Peroxisome biogenesis disorder. Identifiers: Orphanet 79189, MedGen C1832200, MONDO:0019234. Disease mechanism: loss of function.

Submission:

Labcorp Genetics (formerly Invitae), Labcorp
Classification: Uncertain significance for Peroxisome biogenesis disorder. Last evaluated: 2021-01-19. Review status: criteria provided, single submitter. Criteria: Invitae Variant Classification Sherloc (09022015). Collection method: clinical testing. Allele origin: germline.
Comment: This variant is not present in population databases (ExAC no frequency). In summary, the available evidence is currently insufficient to determine the role of this variant in disease. Therefore, it has been classified as a Variant of Uncertain Significance. Algorithms developed to predict the effect of missense changes on protein structure and function (SIFT, PolyPhen-2, Align-GVGD) all suggest that this variant is likely to be tolerated, but these predictions have not been confirmed by published functional studies and their clinical significance is uncertain. This variant has not been reported in the literature in individuals with PEX6-related conditions. This sequence change replaces glycine with valine at codon 314 of the PEX6 protein (p.Gly314Val). The glycine residue is moderately conserved and there is a moderate physicochemical difference between glycine and valine.